The following is an entry in ClinVar:

NM_024675.4(PALB2):c.101G>C (p.Arg34Pro)

Gene: PALB2 (partner and localizer of BRCA2; minus strand). Cytogenetic location: 16p12.2.
Variant type: single nucleotide variant.
Coding change: c.101G>C on transcript NM_024675.4 (MANE Select); coding-DNA position 101, G replaced by C.
Protein change: p.Arg34Pro; replaces arginine 34 with proline.
Molecular consequence: missense variant. On other transcripts: 5 prime UTR variant (8), intron variant (4).
Genome position (GRCh38, 1-based): chr16:23,638,077, C>G on the plus strand (G>C on the coding strand, the complement: PALB2 is on the minus strand). VCF-style: chr16-23638077-C-G. GRCh37 (hg19) VCF-style: chr16-23649398-C-G.
Other names: c.101G>C, p.Arg34Pro (NM_001407297.1, NM_001407298.1, NM_001407299.1 and 3 more transcripts); c.-785G>C (NM_001407304.1, NM_001407305.1, NM_001407306.1 and 5 more transcripts); c.48+3033G>C (NM_001407314.1); c.-105+3033G>C (NM_001407313.1, NM_001407312.1); c.49-125G>C (NM_001407296.1); short protein forms R34P.
Identifiers: ClinVar variation 5042659 (VCV005042659.1).

ClinVar aggregate classification (germline): Uncertain significance (1 of 4 stars; one submission).

Conditions:
Breast-ovarian cancer, familial, susceptibility to, 5 (BROVCA5). Identifiers: MedGen C5830615, MONDO:0957530, OMIM 620442.

Submission:

Dasa
Classification: Uncertain significance for Breast-ovarian cancer, familial, susceptibility to, 5. Last evaluated: 2024-12-07. Review status: criteria provided, single submitter. Criteria: DASA Assertion Criteria. Collection method: clinical testing. Allele origin: germline.
Comment: NM_024675.4(PALB2):c.101G>C (p.Arg34Pro) is a missense variant that results in the substitution of arginine with proline. Published studies describe this variant in association with Breast-ovarian cancer, familial, susceptibility to, 5 (PMID: 41554690). Also, this variant is absent from population databases. The currently available literature and clinical evidence are not sufficient to establish a definitive association between this variant and the reported condition. Therefore, this variant is classified as a variant of uncertain significance.

Literature cited by the submitters: PubMed 41554690.